The following is an entry in ClinVar:

ClinVar aggregate classification (germline): Likely benign. Review status: criteria provided, multiple submitters, no conflicts (2 of 4 stars). 2 submissions from 2 submitters: Likely benign (2). Last evaluated 2026-02-27.

Allele frequency attached by ClinVar (database versions not stated): ExAC 0.00002; TOPMed 0.00002; gnomAD 0.00003.
gnomAD v4.1: 32 of 1,613,442 alleles (0.002%); highest among the groups gnomAD compares: Non-Finnish European, 0.0023%; no homozygotes.

Submissions (2):

Women's Health and Genetics/Laboratory Corporation of America, LabCorp
Classification: Likely benign. Last evaluated: 2026-02-27. Review status: criteria provided, single submitter. Criteria: LabCorp Variant Classification Summary - May 2015. Collection method: clinical testing. Allele origin: germline.
Comment: Variant summary: ASXL1 c.980-6C>T alters a non-conserved nucleotide located at a position not widely known to affect splicing. Consensus agreement among computation tools predict no significant impact on normal splicing. However, these predictions have yet to be confirmed by functional studies. The variant allele was found at a frequency of 2.8e-05 in 251032 control chromosomes. The available data on variant occurrences in the general population are insufficient to allow any conclusion about variant significance. To our knowledge, no occurrence of c.980-6C>T in individuals affected with ASXL1-related conditions and no experimental evidence demonstrating its impact on protein function have been reported. ClinVar contains an entry for this variant (Variation ID: 2163821). Based on the evidence outlined above, the variant was classified as likely benign.

Labcorp Genetics (formerly Invitae), Labcorp
Classification: Likely benign. Last evaluated: 2025-02-24. Review status: criteria provided, single submitter. Criteria: Invitae Variant Classification Sherloc (09022015). Collection method: clinical testing. Allele origin: germline.

Literature cited by the submitters: PubMed 22489043 (cited by Women's Health and Genetics/Laboratory Corporation of America, LabCorp); PubMed 24442206 (cited by Women's Health and Genetics/Laboratory Corporation of America, LabCorp); PubMed 24458439 (cited by Women's Health and Genetics/Laboratory Corporation of America, LabCorp); PubMed 25652455 (cited by Women's Health and Genetics/Laboratory Corporation of America, LabCorp); PubMed 24695057 (cited by Women's Health and Genetics/Laboratory Corporation of America, LabCorp); PubMed 23018865 (cited by Women's Health and Genetics/Laboratory Corporation of America, LabCorp); PubMed 21881046 (cited by Women's Health and Genetics/Laboratory Corporation of America, LabCorp); PubMed 23619563 (cited by Women's Health and Genetics/Laboratory Corporation of America, LabCorp); PubMed 20880116 (cited by Women's Health and Genetics/Laboratory Corporation of America, LabCorp); PubMed 23690417 (cited by Women's Health and Genetics/Laboratory Corporation of America, LabCorp); PubMed 22031865 (cited by Women's Health and Genetics/Laboratory Corporation of America, LabCorp); PubMed 25596267 (cited by Women's Health and Genetics/Laboratory Corporation of America, LabCorp); PubMed 22058207 (cited by Women's Health and Genetics/Laboratory Corporation of America, LabCorp); PubMed 24496303 (cited by Women's Health and Genetics/Laboratory Corporation of America, LabCorp); PubMed 21576631 (cited by Women's Health and Genetics/Laboratory Corporation of America, LabCorp); PubMed 24255920 (cited by Women's Health and Genetics/Laboratory Corporation of America, LabCorp); PubMed 27895058 (cited by Women's Health and Genetics/Laboratory Corporation of America, LabCorp); PubMed 27276561 (cited by Women's Health and Genetics/Laboratory Corporation of America, LabCorp); PubMed 27069254 (cited by Women's Health and Genetics/Laboratory Corporation of America, LabCorp).

NM_015338.6(ASXL1):c.980-6C>T

Gene: ASXL1 (ASXL transcriptional regulator 1; plus strand). Cytogenetic location: 20q11.21.
Variant type: single nucleotide variant.
Coding change: c.980-6C>T on transcript NM_015338.6 (MANE Select); 6 bases into the intron before coding-DNA position 980, C replaced by T.
Molecular consequence: intron variant.
Genome position (GRCh38, 1-based): chr20:32,432,874, C>T. VCF-style: chr20-32432874-C-T. GRCh37 (hg19) VCF-style: chr20-31020677-C-T.
Other names: c.797-6C>T (NM_001363734.1).
Identifiers: ClinVar variation 2163821 (VCV002163821.5), dbSNP rs770534749, ClinGen allele CA9808260.